The following is an entry in ClinVar:

ClinVar aggregate classification (germline): Uncertain significance (1 of 4 stars; one submission).

Submission:

Labcorp Genetics (formerly Invitae), Labcorp
Classification: Uncertain significance. Last evaluated: 2023-04-29. Review status: criteria provided, single submitter. Criteria: Invitae Variant Classification Sherloc (09022015). Collection method: clinical testing. Allele origin: germline.
Comment: In summary, the available evidence is currently insufficient to determine the role of this variant in disease. Therefore, it has been classified as a Variant of Uncertain Significance. An algorithm developed to predict the effect of missense changes on protein structure and function (PolyPhen-2) suggests that this variant is likely to be tolerated. This variant has not been reported in the literature in individuals affected with MRPL12-related conditions. This variant is not present in population databases (gnomAD no frequency). This sequence change replaces alanine, which is neutral and non-polar, with glutamic acid, which is acidic and polar, at codon 112 of the MRPL12 protein (p.Ala112Glu).

NM_002949.4(MRPL12):c.335C>A (p.Ala112Glu)

Gene: MRPL12 (mitochondrial ribosomal protein L12; plus strand). Cytogenetic location: 17q25.3.
Variant type: single nucleotide variant.
Coding change: c.335C>A on transcript NM_002949.4 (MANE Select); coding-DNA position 335, C replaced by A.
Protein change: p.Ala112Glu; replaces alanine 112 with glutamic acid.
Molecular consequence: missense variant.
Genome position (GRCh38, 1-based): chr17:81,704,706, C>A. VCF-style: chr17-81704706-C-A. GRCh37 (hg19) VCF-style: chr17-79671736-C-A.
Other names: short protein forms A112E.
Identifiers: ClinVar variation 2860495 (VCV002860495.3), dbSNP rs2509859276, ClinGen allele CA401510731.
Genomic context (GRCh38, chr17:81,704,706, plus strand): 5'-TCCAGGATGTCGGGCTTGTGCCGATGGGTGGTGTGATGTCTGGGGCTGTCCCTGCTGCAG[C>A]AGCCCAGGAGGTGAGTCCTGGGCAGAATGAGGCATTTCTGGGGTGCCCAGTTCGCCTGTG-3'
Protein context (NP_002940.2, residues 102-122): GVMSGAVPAA[Ala112Glu]AQEAVEEDIP